The following is an entry in ClinVar:

ClinVar aggregate classification (germline): Pathogenic. Review status: criteria provided, single submitter (1 of 4 stars). 2 submissions from 2 submitters: Pathogenic (1). 1 of the submissions does not count toward it. Last evaluated 2025-08-10.

Conditions:
Smith-Lemli-Opitz syndrome (SLOS). Also called: 7-Dehydrocholesterol reductase deficiency; POLYDACTYLY, SEX REVERSAL, RENAL HYPOPLASIA, AND UNILOBAR LUNG; RSH SYNDROME; RUTLEDGE LETHAL MULTIPLE CONGENITAL ANOMALY SYNDROME; LETHAL ACRODYSGENITAL SYNDROME. Identifiers: Orphanet 818, MedGen C0175694, MONDO:0010035, OMIM 270400.

Allele frequency attached by ClinVar (database versions not stated): gnomAD exomes below 0.00001.

Submissions (2):

Labcorp Genetics (formerly Invitae), Labcorp
Classification: Pathogenic for Smith-Lemli-Opitz syndrome. Last evaluated: 2025-08-10. Review status: criteria provided, single submitter. Criteria: Invitae Variant Classification Sherloc (09022015). Collection method: clinical testing. Allele origin: germline.
Comment: This sequence change creates a premature translational stop signal (p.Gln6*) in the DHCR7 gene. It is expected to result in an absent or disrupted protein product. Loss-of-function variants in DHCR7 are known to be pathogenic (PMID: 9634533, 10677299). This variant is present in population databases (no rsID available, gnomAD 0.006%). This variant has not been reported in the literature in individuals affected with DHCR7-related conditions. ClinVar contains an entry for this variant (Variation ID: 371066). For these reasons, this variant has been classified as Pathogenic.

Counsyl
Classification: Likely pathogenic for Smith-Lemli-Opitz syndrome. Last evaluated: 2016-06-21. Review status: no assertion criteria provided. Collection method: clinical testing. Allele origin: unknown. Not counted in ClinVar's aggregate classification.

Literature cited by the submitters: PubMed 9634533 (cited by Labcorp Genetics (formerly Invitae), Labcorp); PubMed 10677299 (cited by Labcorp Genetics (formerly Invitae), Labcorp).

NM_001360.3(DHCR7):c.16C>T (p.Gln6Ter)

Gene: DHCR7 (7-dehydrocholesterol reductase; minus strand). Cytogenetic location: 11q13.4.
Variant type: single nucleotide variant.
Coding change: c.16C>T on transcript NM_001360.3 (MANE Select); coding-DNA position 16, C replaced by T.
Protein change: p.Gln6Ter; replaces glutamine 6 with a stop codon.
Molecular consequence: nonsense.
Genome position (GRCh38, 1-based): chr11:71,444,937, G>A on the plus strand (C>T on the coding strand, the complement: DHCR7 is on the minus strand). VCF-style: chr11-71444937-G-A. GRCh37 (hg19) VCF-style: chr11-71155983-G-A.
Other names: c.16C>T, p.Gln6Ter (NM_001163817.2); short protein forms Q6*.
Identifiers: ClinVar variation 371066 (VCV000371066.6), dbSNP rs1057516977, ClinGen allele CA16041556.